The following is an entry in ClinVar:

ClinVar aggregate classification (germline): Likely benign (0 of 4 stars; one submission).

Conditions:
EIF4G1-related disorder. Also called: EIF4G1-related condition.

Allele frequency attached by ClinVar (database versions not stated): ESP Exome Variant Server 0.00008; gnomAD exomes 0.00050; ExAC 0.00124; 1000 Genomes Project 30x 0.00265; 1000 Genomes Project 0.00300.
gnomAD v4.1: 774 of 1,609,428 alleles (0.048%); highest among the groups gnomAD compares: South Asian, 0.8%; 10 homozygotes.

Submission:

PreventionGenetics, part of Exact Sciences
Classification: Likely benign for EIF4G1-related condition. Last evaluated: 2024-02-02. Review status: no assertion criteria provided. Collection method: clinical testing. Allele origin: germline.
Comment: This variant is classified as likely benign based on ACMG/AMP sequence variant interpretation guidelines (Richards et al. 2015 PMID: 25741868, with internal and published modifications).

NM_198241.3(EIF4G1):c.1064C>T (p.Thr355Ile)

Gene: EIF4G1 (eukaryotic translation initiation factor 4 gamma 1; plus strand). Cytogenetic location: 3q27.1.
Variant type: single nucleotide variant.
Coding change: c.1064C>T on transcript NM_198241.3 (MANE Select); coding-DNA position 1064, C replaced by T.
Protein change: p.Thr355Ile; replaces threonine 355 with isoleucine.
Molecular consequence: missense variant.
Genome position (GRCh38, 1-based): chr3:184,321,648, C>T. VCF-style: chr3-184321648-C-T. GRCh37 (hg19) VCF-style: chr3-184039436-C-T.
Other names: c.1085C>T, p.Thr362Ile (NM_001194946.2, NM_001194947.2); c.944C>T, p.Thr315Ile (NM_001291157.2); c.476C>T, p.Thr159Ile (NM_004953.5); c.1064C>T, p.Thr355Ile (NM_182917.4); c.572C>T, p.Thr191Ile (NM_198242.3); c.803C>T, p.Thr268Ile (NM_198244.3); short protein forms T159I, T191I, T268I, T315I, T355I, T362I.
Identifiers: ClinVar variation 3044106 (VCV003044106.2), dbSNP rs199812237, ClinGen allele CA2732110.